The following is an entry in ClinVar:

ClinVar aggregate classification (germline): Uncertain significance (1 of 4 stars; one submission).

Conditions:
3-methylglutaconic aciduria with deafness, encephalopathy, and Leigh-like syndrome (MEGDEL). Also called: 3-METHYLGLUTACONIC ACIDURIA, TYPE VI; SERAC1 Deficiency; MEGDEL syndrome. Identifiers: Orphanet 352328, MedGen C4040739, MONDO:0013875, OMIM 614739.

gnomAD v4.1: 1 of 1,613,632 alleles (0.000062%); highest among the groups gnomAD compares: Non-Finnish European, 0.000085%; no homozygotes.

Submission:

Labcorp Genetics (formerly Invitae), Labcorp
Classification: Uncertain significance for 3-methylglutaconic aciduria with deafness, encephalopathy, and Leigh-like syndrome. Last evaluated: 2024-05-24. Review status: criteria provided, single submitter. Criteria: Invitae Variant Classification Sherloc (09022015). Collection method: clinical testing. Allele origin: germline.
Comment: This sequence change replaces leucine, which is neutral and non-polar, with phenylalanine, which is neutral and non-polar, at codon 214 of the SERAC1 protein (p.Leu214Phe). This variant is not present in population databases (gnomAD no frequency). This variant has not been reported in the literature in individuals affected with SERAC1-related conditions. Advanced modeling of protein sequence and biophysical properties (such as structural, functional, and spatial information, amino acid conservation, physicochemical variation, residue mobility, and thermodynamic stability) has been performed at Invitae for this missense variant, however the output from this modeling did not meet the statistical confidence thresholds required to predict the impact of this variant on SERAC1 protein function. In summary, the available evidence is currently insufficient to determine the role of this variant in disease. Therefore, it has been classified as a Variant of Uncertain Significance.

NM_032861.4(SERAC1):c.642G>T (p.Leu214Phe)

Gene: SERAC1 (serine active site containing 1; minus strand). Cytogenetic location: 6q25.3.
Variant type: single nucleotide variant.
Coding change: c.642G>T on transcript NM_032861.4 (MANE Select); coding-DNA position 642, G replaced by T.
Protein change: p.Leu214Phe; replaces leucine 214 with phenylalanine.
Molecular consequence: missense variant. On other transcripts: non-coding transcript variant (1).
Genome position (GRCh38, 1-based): chr6:158,143,152, C>A on the plus strand (G>T on the coding strand, the complement: SERAC1 is on the minus strand). VCF-style: chr6-158143152-C-A. GRCh37 (hg19) VCF-style: chr6-158564184-C-A.
Other names: short protein forms L214F.
Identifiers: ClinVar variation 3669438 (VCV003669438.1).